The following is an entry in ClinVar:

ClinVar aggregate classification (germline): Pathogenic (1 of 4 stars; one submission).

Submission:

GeneDx
Classification: Pathogenic. Last evaluated: 2018-05-08. Review status: criteria provided, single submitter. Criteria: GeneDx Variant Classification (06012015). Collection method: clinical testing. Allele origin: germline. Affected: yes.
Comment: The c.5169dupA variant in the TSC2 gene has not been published as a pathogenic variant, nor has it been reported as a benign variant to our knowledge. The c.5169dupA variant causes a frameshift starting with codon Glutamine 1724, changes this amino acid to a Threonine residue and creates a premature Stop codon at position 5 of the new reading frame, denoted p.Gln1724ThrfsX5. This variant is predicted to cause loss of normal protein function either through protein truncation or nonsense-mediated mRNA decay. Furthermore, this variant is not observed in large population cohorts (Lek et al., 2016). Therefore, we interpret c.5169dupA as a pathogenic variant.

NM_000548.5(TSC2):c.5169dup (p.Gln1724fs)

Gene: TSC2 (TSC complex subunit 2; plus strand). Cytogenetic location: 16p13.3.
Variant type: Duplication.
Coding change: c.5169dup on transcript NM_000548.5 (MANE Select); coding-DNA position 5169, one base duplicated (A; older notation c.5169dupA).
Protein change: p.Gln1724fs; shifts the reading frame from glutamine 1724.
Molecular consequence: frameshift variant. On other transcripts: intron variant (1).
Genome position (GRCh38, 1-based): chr16:2,088,235, A duplicated. VCF-style (leftmost placement, unchanged base first): chr16-2088234-C-CA. GRCh37 (hg19) VCF-style: chr16-2138235-C-CA.
Other names: c.5169dupA (NM_000548.3); c.4968dup, p.Gln1657fs (NM_001077183.3); c.5100dup, p.Gln1701fs (NM_001114382.3); c.4860dup, p.Gln1621fs (NM_001318827.2); c.4824dup, p.Gln1609fs (NM_001318829.2); c.4437dup, p.Gln1480fs (NM_001318831.2); c.5001dup, p.Gln1668fs (NM_001318832.2); c.4971dup, p.Gln1658fs (NM_001363528.2); and 3 more; short protein forms Q1480fs, Q1680fs, Q1609fs, Q1621fs, Q1701fs, Q1724fs, Q1657fs, Q1681fs.
Identifiers: ClinVar variation 524161 (VCV000524161.2), dbSNP rs1555440437, ClinGen allele CA658798499.